The following is an entry in ClinVar:

ClinVar aggregate classification (germline): Uncertain significance (1 of 4 stars; one submission).

Submission:

Labcorp Genetics (formerly Invitae), Labcorp
Classification: Uncertain significance. Last evaluated: 2024-10-24. Review status: criteria provided, single submitter. Criteria: Invitae Variant Classification Sherloc (09022015). Collection method: clinical testing. Allele origin: germline.
Comment: This sequence change replaces lysine, which is basic and polar, with glutamine, which is neutral and polar, at codon 72 of the STX3 protein (p.Lys72Gln). This variant is not present in population databases (gnomAD no frequency). This variant has not been reported in the literature in individuals affected with STX3-related conditions. ClinVar contains an entry for this variant (Variation ID: 2116036). An algorithm developed to predict the effect of missense changes on protein structure and function (PolyPhen-2) suggests that this variant is likely to be tolerated. In summary, the available evidence is currently insufficient to determine the role of this variant in disease. Therefore, it has been classified as a Variant of Uncertain Significance.

NM_004177.5(STX3):c.214A>C (p.Lys72Gln)

Gene: STX3 (syntaxin 3; plus strand). Cytogenetic location: 11q12.1.
Variant type: single nucleotide variant.
Coding change: c.214A>C on transcript NM_004177.5 (MANE Select); coding-DNA position 214, A replaced by C.
Protein change: p.Lys72Gln; replaces lysine 72 with glutamine.
Molecular consequence: missense variant.
Genome position (GRCh38, 1-based): chr11:59,787,136, A>C. VCF-style: chr11-59787136-A-C. GRCh37 (hg19) VCF-style: chr11-59554609-A-C.
Other names: c.214A>C, p.Lys72Gln (NM_001178040.3); short protein forms K72Q.
Identifiers: ClinVar variation 2116036 (VCV002116036.4), dbSNP rs1359806385, ClinGen allele CA380795717.
Genomic context (GRCh38, chr11:59,787,136, plus strand): 5'-CATGTAGAGGAGGCTAAGAAACTCTACAGTATCATTCTCTCTGCACCGATTCCAGAGCCA[A>C]GTGAGTGTTTACTTAGAACTGAGTCATCCAACAATCACCCTTTCCTTGGAGCTGAGCCAG-3'
Protein context (NP_004168.1, residues 62-82): IILSAPIPEP[Lys72Gln]TKDDLEQLTT